The following is an entry in ClinVar:

ClinVar aggregate classification (germline): Pathogenic (1 of 4 stars; one submission).

Submission:

GeneDx
Classification: Pathogenic. Last evaluated: 2018-10-17. Review status: criteria provided, single submitter. Criteria: GeneDx Variant Classification (06012015). Collection method: clinical testing. Allele origin: germline. Affected: yes.
Comment: The c.3952delG pathogenic variant in the GRIN2B gene causes a frameshift starting with codon Alanine 1318, changes this amino acid to a Proline residue and creates a premature Stop codon at position 5 of the new reading frame, denoted p.Ala1318ProfsX5. This pathogenic variant is predicted to cause loss of normal protein function through protein truncation as the last 167 amino acids of the GRIN2B protein are replaced with 4 incorrect amino acids. The c.3952delG variant is not observed in large population cohorts (Lek et al., 2016).

NM_000834.5(GRIN2B):c.3952del (p.Ala1318fs)

Gene: GRIN2B (glutamate ionotropic receptor NMDA type subunit 2B; minus strand). Cytogenetic location: 12p13.1.
Variant type: Deletion.
Coding change: c.3952del on transcript NM_000834.5 (MANE Select); coding-DNA position 3952, one base deleted (G; older notation c.3952delG).
Protein change: p.Ala1318fs; shifts the reading frame from alanine 1318.
Molecular consequence: frameshift variant.
Genome position (GRCh38, 1-based): chr12:13,563,286, C deleted on the plus strand (G on the coding strand, the reverse complement: GRIN2B is on the minus strand); the first of 2 consecutive C bases (chr12:13,563,286-13,563,287); deleting either gives the same sequence. VCF-style (leftmost placement, unchanged base first): chr12-13563285-GC-G. GRCh37 (hg19) VCF-style: chr12-13716219-GC-G.
Other names: short protein forms A1318fs.
Identifiers: ClinVar variation 817872 (VCV000817872.1), dbSNP rs1591605498, ClinGen allele CA915947889.